The following is an entry in ClinVar:

NM_020774.4(MIB1):c.2244G>A (p.Glu748=)

Gene: MIB1 (MIB E3 ubiquitin protein ligase 1; plus strand). Cytogenetic location: 18q11.2.
Variant type: single nucleotide variant.
Coding change: c.2244G>A on transcript NM_020774.4 (MANE Select); coding-DNA position 2244, G replaced by A.
Protein change: p.Glu748=; no amino-acid change (glutamic acid 748 retained).
Molecular consequence: synonymous variant.
Genome position (GRCh38, 1-based): chr18:21,846,976, G>A. VCF-style: chr18-21846976-G-A. GRCh37 (hg19) VCF-style: chr18-19426937-G-A.
Identifiers: ClinVar variation 511509 (VCV000511509.1), dbSNP rs1555696198, ClinGen allele CA503397967.
Genomic context (GRCh38, chr18:21,846,976, plus strand): 5'-AAAATCATGACTCTTTATTTTATTGCAGTTAATAATGGGACTTGGTACCCAGGGGGCAGA[G>A]AAGAAGAGTGCAGCATCTATTGCCTGTTTCTTGGCAGCCAATGGTGCTGACCTGAGCATT-3'
Protein context (NP_065825.1, residues 738-758): LIMGLGTQGA[Glu748=]KKSAASIACF

ClinVar aggregate classification (germline): Likely benign (1 of 4 stars; one submission).

Allele frequency attached by ClinVar (database versions not stated): gnomAD 0.00001.
gnomAD v4.1: 2 of 1,614,096 alleles (0.00012%); highest among the groups gnomAD compares: Middle Eastern, 0.033%; no homozygotes.

Submission:

GeneDx
Classification: Likely benign. Last evaluated: 2017-08-16. Review status: criteria provided, single submitter. Criteria: GeneDx Variant Classification (06012015). Collection method: clinical testing. Allele origin: germline. Affected: yes.
Comment: This variant is considered likely benign or benign based on one or more of the following criteria: it is a conservative change, it occurs at a poorly conserved position in the protein, it is predicted to be benign by multiple in silico algorithms, and/or has population frequency not consistent with disease.